The following is an entry in ClinVar:

ClinVar aggregate classification (germline): Uncertain significance (1 of 4 stars; one submission).

Conditions:
Dyskeratosis congenita, autosomal dominant 2. Identifiers: MedGen C3151443, MONDO:0013521, OMIM 613989.
Idiopathic Pulmonary Fibrosis. Also called: Idiopathic fibrosing alveolitis, chronic form; idiopathic fibrosing alveolitis. Identifiers: Orphanet 2032, MedGen C1800706, MeSH D054990, MONDO:0800504.

Allele frequency attached by ClinVar (database versions not stated): gnomAD exomes below 0.00001.
gnomAD v4.1: 1 of 1,613,192 alleles (0.000062%); highest among the groups gnomAD compares: South Asian, 0.0011%; no homozygotes.

Submission:

Labcorp Genetics (formerly Invitae), Labcorp
Classification: Uncertain significance for Dyskeratosis congenita, autosomal dominant 2; Idiopathic Pulmonary Fibrosis. Last evaluated: 2022-06-30. Review status: criteria provided, single submitter. Criteria: Invitae Variant Classification Sherloc (09022015). Collection method: clinical testing. Allele origin: germline.
Comment: This variant has not been reported in the literature in individuals affected with TERT-related conditions. Advanced modeling of protein sequence and biophysical properties (such as structural, functional, and spatial information, amino acid conservation, physicochemical variation, residue mobility, and thermodynamic stability) performed at Invitae indicates that this missense variant is expected to disrupt TERT protein function. In summary, the available evidence is currently insufficient to determine the role of this variant in disease. Therefore, it has been classified as a Variant of Uncertain Significance. This variant is not present in population databases (gnomAD no frequency). This sequence change replaces leucine, which is neutral and non-polar, with valine, which is neutral and non-polar, at codon 810 of the TERT protein (p.Leu810Val).

NM_198253.3(TERT):c.2428C>G (p.Leu810Val)

Gene: TERT (telomerase reverse transcriptase; minus strand). Cytogenetic location: 5p15.33.
Variant type: single nucleotide variant.
Coding change: c.2428C>G on transcript NM_198253.3 (MANE Select); coding-DNA position 2428, C replaced by G.
Protein change: p.Leu810Val; replaces leucine 810 with valine.
Molecular consequence: missense variant.
Genome position (GRCh38, 1-based): chr5:1,271,159, G>C on the plus strand (C>G on the coding strand, the complement: TERT is on the minus strand). VCF-style: chr5-1271159-G-C. GRCh37 (hg19) VCF-style: chr5-1271274-G-C.
Other names: c.2428C>G, p.Leu810Val (NM_001193376.3, NM_003219.1); short protein forms L810V.
Identifiers: ClinVar variation 1975494 (VCV001975494.5), dbSNP rs2478200286, ClinGen allele CA359075738.